The following is an entry in ClinVar:

ClinVar aggregate classification (germline): Uncertain significance. Review status: criteria provided, multiple submitters, no conflicts (2 of 4 stars). 2 submissions from 2 submitters: Uncertain significance (2). Last evaluated 2024-02-17.

Conditions:
Hereditary cancer-predisposing syndrome. Also called: Tumor predisposition; Hereditary Cancer Syndrome; Hereditary neoplastic syndrome; Neoplastic Syndromes, Hereditary. Identifiers: Orphanet 140162, MedGen C0027672, MeSH D009386, MONDO:0015356.
Gastrointestinal stromal tumor. Also called: Gastrointestinal stroma tumor; Gastrointestinal stromal tumor, somatic. Identifiers: Orphanet 44890, MedGen C0238198, MeSH D046152, MONDO:0011719, OMIM 606764, HP:0100723.

Allele frequency attached by ClinVar (database versions not stated): gnomAD exomes 0.00001; ExAC 0.00002.
gnomAD v4.1: 3 of 1,614,052 alleles (0.00019%); highest among the groups gnomAD compares: Non-Finnish European, 0.00025%; no homozygotes.

Submissions (2):

Ambry Genetics
Classification: Uncertain significance for Hereditary cancer-predisposing syndrome. Last evaluated: 2024-02-17. Review status: criteria provided, single submitter. Criteria: Ambry Variant Classification Scheme 2023. Collection method: clinical testing. Allele origin: germline.
Comment: The p.I957V variant (also known as c.2869A>G), located in coding exon 21 of the KIT gene, results from an A to G substitution at nucleotide position 2869. The isoleucine at codon 957 is replaced by valine, an amino acid with highly similar properties. This amino acid position is conserved. In addition, this alteration is predicted to be tolerated by in silico analysis. Based on the available evidence, the clinical significance of this alteration remains unclear.

Labcorp Genetics (formerly Invitae), Labcorp
Classification: Uncertain significance for Gastrointestinal stromal tumor. Last evaluated: 2023-07-07. Review status: criteria provided, single submitter. Criteria: Invitae Variant Classification Sherloc (09022015). Collection method: clinical testing. Allele origin: germline.
Comment: In summary, the available evidence is currently insufficient to determine the role of this variant in disease. Therefore, it has been classified as a Variant of Uncertain Significance. Algorithms developed to predict the effect of missense changes on protein structure and function output the following: SIFT: "Not Available"; PolyPhen-2: "Benign"; Align-GVGD: "Not Available". The valine amino acid residue is found in multiple mammalian species, which suggests that this missense change does not adversely affect protein function. ClinVar contains an entry for this variant (Variation ID: 1405596). This variant has not been reported in the literature in individuals affected with KIT-related conditions. This variant is present in population databases (rs748938919, gnomAD 0.003%). This sequence change replaces isoleucine, which is neutral and non-polar, with valine, which is neutral and non-polar, at codon 957 of the KIT protein (p.Ile957Val).

NM_000222.3(KIT):c.2869A>G (p.Ile957Val)

Gene: KIT (KIT proto-oncogene, receptor tyrosine kinase; plus strand). Cytogenetic location: 4q12.
Variant type: single nucleotide variant.
Coding change: c.2869A>G on transcript NM_000222.3 (MANE Select); coding-DNA position 2869, A replaced by G.
Protein change: p.Ile957Val; replaces isoleucine 957 with valine.
Molecular consequence: missense variant.
Genome position (GRCh38, 1-based): chr4:54,738,495, A>G. VCF-style: chr4-54738495-A-G. GRCh37 (hg19) VCF-style: chr4-55604661-A-G.
Other names: c.2869A>G (NM_000222.2); c.2872A>G, p.Ile958Val (NM_001385284.1); c.2866A>G, p.Ile956Val (NM_001385285.1); c.2854A>G, p.Ile952Val (NM_001385286.1); c.2860A>G, p.Ile954Val (NM_001385288.1); c.2869A>G, p.Ile957Val (NM_001385290.1); c.2857A>G, p.Ile953Val (NM_001385292.1, NM_001093772.2); short protein forms I957V, I952V, I954V, I958V, I953V, I956V.
Identifiers: ClinVar variation 1405596 (VCV001405596.9), dbSNP rs748938919, ClinGen allele CA2923886.